The following is an entry in ClinVar:

NM_001126108.2(SLC12A3):c.1047del (p.Ser350fs)

Gene: SLC12A3 (solute carrier family 12 member 3; plus strand). Cytogenetic location: 16q13.
Variant type: Deletion.
Coding change: c.1047del on transcript NM_001126108.2 (MANE Select); coding-DNA position 1047, one base deleted (C; older notation c.1047delC).
Protein change: p.Ser350fs; shifts the reading frame from serine 350.
Molecular consequence: frameshift variant.
Genome position (GRCh38, 1-based): chr16:56,872,738, C deleted; the last of 4 consecutive C bases (chr16:56,872,735-56,872,738); deleting any one gives the same sequence. VCF-style (leftmost placement, unchanged base first): chr16-56872734-TC-T. GRCh37 (hg19) VCF-style: chr16-56906646-TC-T.
Other names: c.1047del, p.Ser350fs (NM_000339.3); c.1044del, p.Ser349fs (NM_001126107.2); short protein forms S350fs, S349fs.
Identifiers: ClinVar variation 1376757 (VCV001376757.6), dbSNP rs2144695707, ClinGen allele CA2573152452.
Genomic context (GRCh38, chr16:56,872,734, plus strand): 5'-ACTTGGTGCCTGACTGGCGGGGTCCAGATGGCACCTTCTTCGGAATGTTCTCCATCTTCT[TC>T]CCCTCGGCCACAGGCATCCTGGCAGGGGCCAACATATCTGGTGACCTCAAGGTGAGCAGA-3'

ClinVar aggregate classification (germline): Pathogenic (1 of 4 stars; one submission).

Submission:

Labcorp Genetics (formerly Invitae), Labcorp
Classification: Pathogenic. Last evaluated: 2021-03-08. Review status: criteria provided, single submitter. Criteria: Invitae Variant Classification Sherloc (09022015). Collection method: clinical testing. Allele origin: germline.
Comment: This sequence change creates a premature translational stop signal (p.Ser350Argfs*20) in the SLC12A3 gene. It is expected to result in an absent or disrupted protein product. Loss-of-function variants in SLC12A3 are known to be pathogenic (PMID: 20848653, 22009145, 25841442). This variant is not present in population databases (ExAC no frequency). This variant has not been reported in the literature in individuals with SLC12A3-related conditions. For these reasons, this variant has been classified as Pathogenic.

Literature cited by the submitters: PubMed 20848653; PubMed 22009145; PubMed 25841442.